The following is an entry in ClinVar:

NM_000492.4(CFTR):c.3953T>C (p.Val1318Ala)

Gene: CFTR (CF transmembrane conductance regulator; plus strand). Cytogenetic location: 7q31.2.
Variant type: single nucleotide variant.
Coding change: c.3953T>C on transcript NM_000492.4 (MANE Select); coding-DNA position 3953, T replaced by C.
Protein change: p.Val1318Ala; replaces valine 1318 with alanine.
Molecular consequence: missense variant.
Genome position (GRCh38, 1-based): chr7:117,652,921, T>C. VCF-style: chr7-117652921-T-C. GRCh37 (hg19) VCF-style: chr7-117292975-T-C.
Other names: short protein forms V1318A.
Identifiers: ClinVar variation 53860 (VCV000053860.11), dbSNP rs397508648, ClinGen allele CA327360.

ClinVar aggregate classification (germline): Uncertain significance. Review status: criteria provided, multiple submitters, no conflicts (2 of 4 stars). 6 submissions from 6 submitters: Uncertain significance (5). 1 of the submissions does not count toward it. Last evaluated 2026-04-17.

Conditions:
CFTR-related disorder (CFTR-RD). Also called: CFTR-related condition; CFTR-related disorders. Identifiers: MedGen C5924204, MONDO:7770004.
Cystic fibrosis (CF). Also called: MUCOVISCIDOSIS. Identifiers: Orphanet 586, MedGen C0010674, MONDO:0009061, OMIM 219700. Disease mechanism: loss of function.

Allele frequency attached by ClinVar (database versions not stated): gnomAD exomes below 0.00001.
gnomAD v4.1: 15 of 1,598,876 alleles (0.00094%); highest among the groups gnomAD compares: Non-Finnish European, 0.0013%; no homozygotes.

Submissions (6):

PreventionGenetics, part of Exact Sciences
Classification: Uncertain significance for CFTR-related condition. Last evaluated: 2026-04-17. Review status: criteria provided, single submitter. Criteria: ACMG Guidelines, 2015. Collection method: clinical testing. Allele origin: germline.
Comment: The CFTR c.3953T>C variant is predicted to result in the amino acid substitution p.Val1318Ala. This variant has been reported heterozygous in a patient affected with congenital bilateral absence of the vas deferens [Cystic Fibrosis Mutation Database; CFTR-France database]. This variant is reported in 0.00089% of alleles in individuals of European (Non-Finnish) descent in gnomAD. At this time, the clinical significance of this variant is uncertain due to the absence of conclusive functional and genetic evidence.

Labcorp Genetics (formerly Invitae), Labcorp
Classification: Uncertain significance for Cystic fibrosis. Last evaluated: 2025-12-16. Review status: criteria provided, single submitter. Criteria: Invitae Variant Classification Sherloc (09022015). Collection method: clinical testing. Allele origin: germline.
Comment: This sequence change replaces valine, which is neutral and non-polar, with alanine, which is neutral and non-polar, at codon 1318 of the CFTR protein (p.Val1318Ala). This variant is present in population databases (rs397508648, gnomAD 0.0009%). This variant has not been reported in the literature in individuals affected with CFTR-related conditions. ClinVar contains an entry for this variant (Variation ID: 53860). Invitae Evidence Modeling of protein sequence and biophysical properties (such as structural, functional, and spatial information, amino acid conservation, physicochemical variation, residue mobility, and thermodynamic stability) indicates that this missense variant is not expected to disrupt CFTR protein function with a negative predictive value of 80%. In summary, the available evidence is currently insufficient to determine the role of this variant in disease. Therefore, it has been classified as a Variant of Uncertain Significance.

Women's Health and Genetics/Laboratory Corporation of America, LabCorp
Classification: Uncertain significance. Last evaluated: 2025-08-26. Review status: criteria provided, single submitter. Criteria: LabCorp Variant Classification Summary - May 2015. Collection method: clinical testing. Allele origin: germline.
Comment: Variant summary: CFTR c.3953T>C (p.Val1318Ala) results in a non-conservative amino acid change in the encoded protein sequence. Algorithms developed to predict the effect of missense changes on protein structure and function are either unavailable or do not agree on the potential impact of this missense change. The variant allele was found at a frequency of 4e-06 in 250484 control chromosomes. The available data on variant occurrences in the general population are insufficient to allow any conclusion about variant significance. c.3953T>C has been observed in the presumed compound heterozygous state in at least 1 individual(s) affected with congenital bilateral absence of the vas deferens (CFTR-France database), without full genotyping details. These report(s) do not provide unequivocal conclusions about association of the variant with CFTR-related conditions. To our knowledge, no experimental evidence demonstrating an impact on protein function has been reported. The following publications have been ascertained in the context of this evaluation (PMID: 18687795, 28784578, 31978131, 15536480, 16251901, 25735457, 28655774). ClinVar contains an entry for this variant (Variation ID: 53860). Based on the evidence outlined above, the variant was classified as uncertain significance.

Genome-Nilou Lab
Classification: Uncertain significance for Cystic fibrosis. Last evaluated: 2021-09-05. Review status: criteria provided, single submitter. Criteria: ACMG Guidelines, 2015. Collection method: clinical testing. Allele origin: germline. Affected: no.

Ambry Genetics
Classification: Uncertain significance for Cystic fibrosis. Last evaluated: 2015-12-08. Review status: criteria provided, single submitter. Criteria: Ambry Variant Classification Scheme 2023. Collection method: clinical testing. Allele origin: germline.
Comment: The p.V1318A variant (also known as c.3953T>C), located in coding exon 24 of the CFTR gene, results from a T to C substitution at nucleotide position 3953. The valine at codon 1318 is replaced by alanine, an amino acid with similar properties. This variant was not reported in population based cohorts in the following databases: Database of Single Nucleotide Polymorphisms (dbSNP), NHLBI Exome Sequencing Project (ESP), and 1000 Genomes Project. In the ESP, this variant was not observed in 6503 samples (13006 alleles) with coverage at this position. This amino acid position is highly conserved in available vertebrate species. In addition, this alteration is predicted to be deleterious by in silico analysis. Since supporting evidence is limited at this time, the clinical significance of this variant remains unclear.

Counsyl
Classification: Uncertain significance for Cystic fibrosis. Last evaluated: 2017-03-16. Review status: no assertion criteria provided. Collection method: clinical testing. Allele origin: unknown. Not counted in ClinVar's aggregate classification.

Literature cited by the submitters: PubMed 18687795 (cited by Women's Health and Genetics/Laboratory Corporation of America, LabCorp); PubMed 15536480 (cited by Women's Health and Genetics/Laboratory Corporation of America, LabCorp); PubMed 16251901 (cited by Women's Health and Genetics/Laboratory Corporation of America, LabCorp); PubMed 25735457 (cited by Women's Health and Genetics/Laboratory Corporation of America, LabCorp); PubMed 31978131 (cited by Women's Health and Genetics/Laboratory Corporation of America, LabCorp); PubMed 28784578 (cited by Women's Health and Genetics/Laboratory Corporation of America, LabCorp); PubMed 28655774 (cited by Women's Health and Genetics/Laboratory Corporation of America, LabCorp).